The following is an entry in ClinVar:

NM_001458.5(FLNC):c.8107del (p.Asp2703fs)

Genes: FLNC (filamin C; plus strand), FLNC-AS1 (FLNC antisense RNA 1; minus strand). Cytogenetic location: 7q32.1.
Variant type: Deletion.
Coding change: c.8107del on transcript NM_001458.5 (MANE Select); coding-DNA position 8107, one base deleted (G; older notation c.8107delG).
Protein change: p.Asp2703fs; shifts the reading frame from aspartic acid 2703.
Molecular consequence: frameshift variant.
Genome position (GRCh38, 1-based): chr7:128,858,452, G deleted; the last of 4 consecutive G bases (chr7:128,858,449-128,858,452); deleting any one gives the same sequence. VCF-style (leftmost placement, unchanged base first): chr7-128858448-AG-A. GRCh37 (hg19) VCF-style: chr7-128498502-AG-A.
Other names: p.Asp2703Thrfs*69; c.8008del, p.Asp2670fs (NM_001127487.2); c.8107delG, p.Asp2703Thrfs (NM_001458.4); short protein forms D2670fs, D2703fs.
Identifiers: ClinVar variation 566018 (VCV000566018.19), dbSNP rs1563006160, ClinGen allele CA891843001.

ClinVar aggregate classification (germline): Conflicting classifications of pathogenicity. Review status: criteria provided, conflicting classifications (1 of 4 stars). 6 submissions from 6 submitters: Pathogenic (2); Likely pathogenic (1); Uncertain significance (1); Likely benign (1). 1 of the submissions does not count toward it. Last evaluated 2025-11-02.

Conditions:
Myofibrillar myopathy 5. Also called: Filaminopathy (type); FILAMINOPATHY, AUTOSOMAL DOMINANT. Identifiers: Orphanet 171445, MedGen C1836050, MONDO:0012289, OMIM 609524.
Hypertrophic cardiomyopathy 26. Also called: Cardiomyopathy, familial hypertrophic, 26. Identifiers: Orphanet 75249, MedGen C4310749, MONDO:0014883, OMIM 617047.
Distal myopathy with posterior leg and anterior hand involvement. Also called: WILLIAMS DISTAL MYOPATHY. Identifiers: Orphanet 63273, MedGen C3279722, MONDO:0013550, OMIM 614065.
Cardiovascular phenotype. Identifiers: MedGen CN230736.
Arrhythmogenic right ventricular dysplasia, familial, 15 (ARVD15). Identifiers: MedGen C5830688.

Submissions (6):

Labcorp Genetics (formerly Invitae), Labcorp
Classification: Pathogenic for Distal myopathy with posterior leg and anterior hand involvement; Myofibrillar myopathy 5; Hypertrophic cardiomyopathy 26. Last evaluated: 2025-11-02. Review status: criteria provided, single submitter. Criteria: Invitae Variant Classification Sherloc (09022015). Collection method: clinical testing. Allele origin: germline.
Comment: This sequence change is expected to alter the c-terminus of the FLNC protein (p.Asp2703Thrfs*69). While this is not anticipated to result in nonsense mediated decay, it is expected to disrupt the last 23 amino acid(s) of the FLNC protein and extend the protein by 45 additional amino acid residues. This variant is not present in population databases (gnomAD no frequency). This frameshift has been observed in individual(s) with dilated cardiomyopathy (PMID: 27908349, 28416588). ClinVar contains an entry for this variant (Variation ID: 566018). This variant disrupts a region of the FLNC protein in which other variant(s) (p.Trp2710*) have been determined to be pathogenic (PMID: 15929027, 22961544, 26472074, 26969713). This suggests that this is a clinically significant region of the protein, and that variants that disrupt it are likely to be disease-causing. For these reasons, this variant has been classified as Pathogenic.

Mayo Clinic Laboratories, Mayo Clinic
Classification: Pathogenic. Last evaluated: 2025-10-22. Review status: criteria provided, single submitter. Criteria: ACMG Guidelines, 2015. Collection method: clinical testing. Allele origin: germline. Observed: 1 variant allele.
Comment: PM1, PM2_supporting, PM4, PS2_supporting, PS4

GeneDx
Classification: Likely pathogenic. Last evaluated: 2025-06-25. Review status: criteria provided, single submitter. Criteria: GeneDx Variant Classification Process June 2021. Collection method: clinical testing. Allele origin: germline. Affected: yes.
Comment: Not observed at significant frequency in large population cohorts (gnomAD); Frameshift variant predicted to result in abnormal protein length as the last 23 amino acids are replaced with 68 different amino acids, and other similar variants have been reported in HGMD; This variant is associated with the following publications: (PMID: 27908349, 21135393, 31514951, 28416588, 31918855, 34993393, 36935760, 31924696)

Ambry Genetics
Classification: Uncertain significance for Cardiovascular phenotype. Last evaluated: 2019-09-26. Review status: criteria provided, single submitter. Criteria: Ambry Variant Classification Scheme 2023. Collection method: clinical testing. Allele origin: germline.
Comment: The c.8107delG variant, located in coding exon 48 of the FLNC gene, results from a deletion of one nucleotide at nucleotide position 8107, causing a translational frameshift with a predicted alternate stop codon (p.D2703Tfs*69). This variant was initially reported in a family with myofibrillar myopathy; however, the publication was retracted as it was determined the variant occurred on the FLNC pseudogene (Kono S et al. Neurology. 2010 Aug;75(6):547-54; van der Ven PF et al. Neurology. 2010 Dec;75(23):2137-8). This variant has been detected in two individuals with dilated cardiomyopathy (DCM) and arrhythmia from one family where pseudogene interference was reportedly excluded, and has also been detected in a DCM cohort; however, clinical details were limited (Ortiz-Genga MF et al. J. Am. Coll. Cardiol., 2016 Dec;68:2440-2451; Dal Ferro M et al. Heart, 2017 11;103:1704-1710). Frameshifts are typically deleterious in nature, however, this frameshift occurs at the 3' terminus of FLNC, is not expected to trigger nonsense-mediated mRNA decay, and results in the elongation of the protein by 45 amino acids. The exact functional impact of these inserted amino acids is unknown at this time. Since supporting evidence is limited at this time, the clinical significance of this alteration remains unclear.

Blueprint Genetics
Classification: Likely benign. Last evaluated: 2018-03-23. Review status: criteria provided, single submitter. Criteria: ACMG Guidelines, 2015. Collection method: clinical testing. Allele origin: germline.

OMIM
Classification: Pathogenic for ARRHYTHMOGENIC RIGHT VENTRICULAR DYSPLASIA, FAMILIAL, 15. Last evaluated: 2023-06-26. Review status: no assertion criteria provided. Collection method: literature only. Allele origin: germline. Not counted in ClinVar's aggregate classification.

Literature cited by the submitters: PubMed 27908349 (cited by 3 submitters); PubMed 28416588 (cited by 3 submitters); PubMed 15929027 (cited by Labcorp Genetics (formerly Invitae), Labcorp and Mayo Clinic Laboratories, Mayo Clinic); PubMed 22961544 (cited by Labcorp Genetics (formerly Invitae), Labcorp and Mayo Clinic Laboratories, Mayo Clinic); PubMed 26472074 (cited by Labcorp Genetics (formerly Invitae), Labcorp and Mayo Clinic Laboratories, Mayo Clinic); PubMed 26969713 (cited by Labcorp Genetics (formerly Invitae), Labcorp and Mayo Clinic Laboratories, Mayo Clinic); PubMed 21135393 (cited by Mayo Clinic Laboratories, Mayo Clinic and Ambry Genetics); PubMed 23109048 (cited by Mayo Clinic Laboratories, Mayo Clinic and Ambry Genetics); PubMed 31514951 (cited by Mayo Clinic Laboratories, Mayo Clinic); PubMed 31918855 (cited by Mayo Clinic Laboratories, Mayo Clinic); PubMed 31924696 (cited by Mayo Clinic Laboratories, Mayo Clinic and OMIM); PubMed 32112656 (cited by Mayo Clinic Laboratories, Mayo Clinic); PubMed 34993393 (cited by Mayo Clinic Laboratories, Mayo Clinic).